The following is an entry in ClinVar:

ClinVar aggregate classification (germline): Uncertain significance (1 of 4 stars; one submission).

Conditions:
Fanconi anemia (FA). Also called: Fanconi's anemia. Identifiers: Orphanet 84, MedGen C0015625, MeSH D005199, MONDO:0019391.

Allele frequency attached by ClinVar (database versions not stated): gnomAD 0.00001; gnomAD exomes 0.00001; ExAC 0.00002.
gnomAD v4.1: 19 of 1,614,052 alleles (0.0012%); highest among the groups gnomAD compares: South Asian, 0.021%; no homozygotes.

Submission:

Labcorp Genetics (formerly Invitae), Labcorp
Classification: Uncertain significance for Fanconi anemia. Last evaluated: 2022-06-13. Review status: criteria provided, single submitter. Criteria: Invitae Variant Classification Sherloc (09022015). Collection method: clinical testing. Allele origin: germline.
Comment: This sequence change replaces histidine, which is basic and polar, with leucine, which is neutral and non-polar, at codon 1204 of the FANCI protein (p.His1204Leu). This variant is present in population databases (rs771372212, gnomAD 0.02%). This variant has not been reported in the literature in individuals affected with FANCI-related conditions. Algorithms developed to predict the effect of missense changes on protein structure and function are either unavailable or do not agree on the potential impact of this missense change (SIFT: "Deleterious"; PolyPhen-2: "Benign"; Align-GVGD: "Class C0"). In summary, the available evidence is currently insufficient to determine the role of this variant in disease. Therefore, it has been classified as a Variant of Uncertain Significance.

NM_001113378.2(FANCI):c.3611A>T (p.His1204Leu)

Gene: FANCI (FA complementation group I; plus strand). Cytogenetic location: 15q26.1.
Variant type: single nucleotide variant.
Coding change: c.3611A>T on transcript NM_001113378.2 (MANE Select); coding-DNA position 3611, A replaced by T.
Protein change: p.His1204Leu; replaces histidine 1204 with leucine.
Molecular consequence: missense variant.
Genome position (GRCh38, 1-based): chr15:89,307,632, A>T. VCF-style: chr15-89307632-A-T. GRCh37 (hg19) VCF-style: chr15-89850863-A-T.
Other names: c.3332A>T, p.His1111Leu (NM_001376910.1); c.3611A>T, p.His1204Leu (NM_001376911.1); c.3431A>T, p.His1144Leu (NM_018193.3); short protein forms H1111L, H1144L, H1204L.
Identifiers: ClinVar variation 2175823 (VCV002175823.1), dbSNP rs771372212, ClinGen allele CA7723788.